The following is an entry in ClinVar:

NC_000007.13:g.(?_95775848)_(95776028_?)del

Gene: SLC25A13 (solute carrier family 25 member 13; minus strand). Cytogenetic location: 7q21.3.
Variant type: Deletion.
Identifiers: ClinVar variation 3245769 (VCV003245769.1).

ClinVar aggregate classification (germline): Pathogenic (1 of 4 stars; one submission).

Conditions:
Citrin deficiency. Identifiers: Orphanet 247582, MedGen C1997910, MONDO:0016602.

Submission:

Labcorp Genetics (formerly Invitae), Labcorp
Classification: Pathogenic for Citrin deficiency. Last evaluated: 2024-01-21. Review status: criteria provided, single submitter. Criteria: Invitae Variant Classification Sherloc (09022015). Collection method: clinical testing. Allele origin: unknown.
Comment: This variant is a gross deletion of the genomic region encompassing exon(s) 14 of the SLC25A13 gene. This variant would be expected to be in-frame, preserving the integrity of the reading frame. A similar copy number variant has been observed in individual(s) with citrin deficiency (PMID: 34045052). This variant disrupts a region of the SLC25A13 protein in which other variant(s) (p.Lys453Arg) have been observed in individuals with SLC25A13-related conditions (PMID: 20376801). This suggests that this is a clinically significant region of the protein, and that variants that disrupt it are likely to be disease-causing. For these reasons, this variant has been classified as Pathogenic.

Literature cited by the submitters: PubMed 34045052; PubMed 20376801.